The following is an entry in ClinVar:

NM_021160.3(ABHD16A):c.1539G>A (p.Trp513Ter)

Gene: ABHD16A (abhydrolase domain containing 16A, phospholipase; minus strand). Cytogenetic location: 6p21.33.
Variant type: single nucleotide variant.
Coding change: c.1539G>A on transcript NM_021160.3 (MANE Select); coding-DNA position 1539, G replaced by A.
Protein change: p.Trp513Ter; replaces tryptophan 513 with a stop codon.
Molecular consequence: nonsense. On other transcripts: non-coding transcript variant (2).
Genome position (GRCh38, 1-based): chr6:31,687,649, C>T on the plus strand (G>A on the coding strand, the complement: ABHD16A is on the minus strand). VCF-style: chr6-31687649-C-T. GRCh37 (hg19) VCF-style: chr6-31655426-C-T.
Other names: c.1440G>A, p.Trp480Ter (NM_001177515.2); short protein forms W480*, W513*.
Identifiers: ClinVar variation 4850637 (VCV004850637.1).

ClinVar aggregate classification (germline): Likely pathogenic (1 of 4 stars; one submission).

Conditions:
Spastic paraplegia 86, autosomal recessive (SPG86). Identifiers: Orphanet 631085, MedGen C5676910, MONDO:0030673, OMIM 619735.

gnomAD v4.1: 8 of 1,612,830 alleles (0.0005%); highest among the groups gnomAD compares: Non-Finnish European, 0.00068%; no homozygotes.

Submission:

First Genomix Gene Laboratory, Genetic Diagnostics Department
Classification: Likely pathogenic for Spastic paraplegia 86, autosomal recessive. Last evaluated: 2026-01-02. Review status: criteria provided, single submitter. Criteria: ACMG Guidelines, 2015. Collection method: clinical testing. Allele origin: germline. Inheritance: Autosomal recessive inheritance. Affected: no. Observed: 1 variant allele.